The following is an entry in ClinVar:

ClinVar aggregate classification (germline): Likely benign. Review status: criteria provided, multiple submitters, no conflicts (2 of 4 stars). 3 submissions from 3 submitters: Likely benign (2). 1 of the submissions does not count toward it. Last evaluated 2025-10-18.

Conditions:
SON-related disorder. Also called: SON-related condition.

Submissions (3):

Labcorp Genetics (formerly Invitae), Labcorp
Classification: Likely benign. Last evaluated: 2025-10-18. Review status: criteria provided, single submitter. Criteria: Invitae Variant Classification Sherloc (09022015). Collection method: clinical testing. Allele origin: germline.

CeGaT Center for Human Genetics Tuebingen
Classification: Likely benign. Last evaluated: 2024-10-01. Review status: criteria provided, single submitter. Criteria: CeGaT Center For Human Genetics Tuebingen Variant Classification Criteria Version 2. Collection method: clinical testing. Allele origin: germline. Affected: yes. Observed: 1 variant allele.
Comment: SON: BS2

PreventionGenetics, part of Exact Sciences
Classification: Uncertain significance for SON-related condition. Last evaluated: 2024-09-16. Review status: no assertion criteria provided. Collection method: clinical testing. Allele origin: germline. Not counted in ClinVar's aggregate classification.
Comment: The SON c.5912_5917del6 variant is predicted to result in an in-frame deletion (p.Ser1971 Arg1972del). To our knowledge, this variant has not been reported in the literature. This variant is reported in 0.0060% of alleles in individuals of South Asian descent in gnomAD. At this time, the clinical significance of this variant is uncertain due to the absence of conclusive functional and genetic evidence.

NM_138927.4(SON):c.5906GCCGCA[1] (p.Ser1971_Arg1972del)

Gene: SON (SON DNA and RNA binding protein; plus strand). Cytogenetic location: 21q22.11.
Variant type: Microsatellite.
Coding change: c.5906GCCGCA[1] on transcript NM_138927.4 (MANE Select); one copy of the 6-base unit GCCGCA starting at c.5906; the reference has two copies in a row; one copy, 6 bases deleted.
Protein change: p.Ser1971_Arg1972del.
Molecular consequence: inframe deletion. On other transcripts: inframe indel (3), non-coding transcript variant (1), intron variant (1).
Genome position (GRCh38, 1-based): chr21:33,555,143-33,555,148, GCCGCA deleted; deleting any 6 consecutive bases within chr21:33,555,137-33,555,148 gives the same sequence; the position shown is the placement nearest the transcript's 3' end. VCF-style (leftmost placement, unchanged base first): chr21-33555136-CGCCGCA-C. GRCh37 (hg19) VCF-style: chr21-34927442-CGCCGCA-C.
Other names: c.5912_5917del6 (NM_138927.2); c.5906GCCGCA[1], p.Ser1971_Arg1972del (NM_001291411.2, NM_032195.3); c.5906_5911GCCGCA[1], p.Ser1971_Arg1972del (NM_001412133.1, NM_058183.2, NM_138926.1); c.245-2013_245-2008del (NM_001291412.3).
Identifiers: ClinVar variation 3020807 (VCV003020807.18), dbSNP rs761115308, ClinGen allele CA10009838.